The following is an entry in ClinVar:

NM_182931.3(KMT2E):c.5047_5052del (p.Pro1683_Pro1684del)

Gene: KMT2E (lysine methyltransferase 2E (inactive); plus strand). Cytogenetic location: 7q22.3.
Variant type: Deletion.
Coding change: c.5047_5052del on transcript NM_182931.3 (MANE Select); coding-DNA positions 5047 to 5052, 6 bases deleted (CCTCCT; older notation c.5047_5052delCCTCCT).
Protein change: p.Pro1683_Pro1684del.
Molecular consequence: inframe deletion. On other transcripts: inframe indel (1).
Genome position (GRCh38, 1-based): chr7:105,112,803-105,112,808, CCTCCT deleted. VCF-style (leftmost placement, unchanged base first): chr7-105112802-CCCTCCT-C. GRCh37 (hg19) VCF-style: chr7-104753249-CCCTCCT-C.
Other names: c.4921_4926delCCTCCT, p.Pro1641_Pro1642del (NM_001410908.1); c.5047_5052del, p.Pro1683_Pro1684del (NM_018682.4).
Identifiers: ClinVar variation 1706345 (VCV001706345.2), dbSNP rs2536527468, ClinGen allele CA2580076106.

ClinVar aggregate classification (germline): Uncertain significance (1 of 4 stars; one submission).

Submission:

GeneDx
Classification: Uncertain significance. Last evaluated: 2022-03-15. Review status: criteria provided, single submitter. Criteria: GeneDx Variant Classification Process June 2021. Collection method: clinical testing. Allele origin: germline. Affected: yes.
Comment: Has not been previously published as pathogenic or benign to our knowledge; Not observed at significant frequency in large population cohorts (gnomAD); In-frame deletion of 2 amino acids in a non-repeat region; In silico analysis supports a deleterious effect on protein structure/function